The following is an entry in ClinVar:

NM_000400.4(ERCC2):c.1266C>T (p.Asp422=)

Gene: ERCC2 (ERCC excision repair 2, TFIIH core complex helicase subunit; minus strand). Cytogenetic location: 19q13.32.
Variant type: single nucleotide variant.
Coding change: c.1266C>T on transcript NM_000400.4 (MANE Select); coding-DNA position 1266, C replaced by T.
Protein change: p.Asp422=; no amino-acid change (aspartic acid 422 retained).
Molecular consequence: synonymous variant.
Genome position (GRCh38, 1-based): chr19:45,357,671, G>A on the plus strand (C>T on the coding strand, the complement: ERCC2 is on the minus strand). VCF-style: chr19-45357671-G-A. GRCh37 (hg19) VCF-style: chr19-45860929-G-A.
Identifiers: ClinVar variation 722424 (VCV000722424.17), dbSNP rs142702501, ClinGen allele CA9513391.
Genomic context (GRCh38, chr19:45,357,671, plus strand): 5'-TCACCGGGCAGGGTCCCACCTGAAGTGCAGGATGGGGTTGGCAATGGTCGGGGTTCTGTC[G>A]TCAAAGGGCTCGATGATGATGGTGAAGCCTGCAGAGGGCAGGCAAGGAGGGGTGAGATTA-3'
Protein context (NP_000391.1, residues 412-432): KGFTIIIEPF[Asp422=]DRTPTIANPI

ClinVar aggregate classification (germline): Benign/Likely benign. Review status: criteria provided, multiple submitters, no conflicts (2 of 4 stars). 6 submissions from 6 submitters: Benign (2); Likely benign (3). 1 of the submissions does not count toward it. Last evaluated 2026-01-26.

Conditions:
ERCC2-related disorder. Also called: ERCC2-related disorders; ERCC2-related conditions; ERCC2-related condition. Identifiers: MedGen CN239291.
Xeroderma pigmentosum (XP). Identifiers: Orphanet 910, MedGen C0043346, MONDO:0019600.
Inborn genetic diseases. Identifiers: MedGen C0950123, MeSH D030342.

Allele frequency attached by ClinVar (database versions not stated): gnomAD exomes 0.00011 and 0.00027; ExAC 0.00034; gnomAD 0.00098 and 0.00102; TOPMed 0.00124; 1000 Genomes Project 30x 0.00141; 1000 Genomes Project 0.00160; ESP Exome Variant Server 0.00177.

Submissions (6):

Labcorp Genetics (formerly Invitae), Labcorp
Classification: Benign. Last evaluated: 2026-01-26. Review status: criteria provided, single submitter. Criteria: Invitae Variant Classification Sherloc (09022015). Collection method: clinical testing. Allele origin: germline.

Blueprint Genetics
Classification: Likely benign. Last evaluated: 2024-06-26. Review status: criteria provided, single submitter. Criteria: ACMG Guidelines, 2015. Collection method: clinical testing. Allele origin: germline.

Ambry Genetics
Classification: Likely benign for Inborn genetic diseases. Last evaluated: 2022-02-12. Review status: criteria provided, single submitter. Criteria: Ambry Variant Classification Scheme 2023. Collection method: clinical testing. Allele origin: germline.

Sema4
Classification: Likely benign for Xeroderma pigmentosum. Last evaluated: 2021-06-08. Review status: criteria provided, single submitter. Criteria: Sema4 Curation Guidelines. Collection method: curation. Allele origin: germline.

Breakthrough Genomics
Classification: Benign. Review status: criteria provided, single submitter. Criteria: ACMG Guidelines, 2015. Collection method: not provided. Allele origin: germline. Inheritance: Autosomal recessive inheritance. Affected: yes.

PreventionGenetics, part of Exact Sciences
Classification: Likely benign for ERCC2-related condition. Last evaluated: 2019-05-28. Review status: no assertion criteria provided. Collection method: clinical testing. Allele origin: germline. Not counted in ClinVar's aggregate classification.
Comment: This variant is classified as likely benign based on ACMG/AMP sequence variant interpretation guidelines (Richards et al. 2015 PMID: 25741868, with internal and published modifications).